The following is an entry in ClinVar:

ClinVar aggregate classification (germline): Likely pathogenic. Review status: criteria provided, single submitter (1 of 4 stars). 2 submissions from 2 submitters: Likely pathogenic (1). 1 of the submissions does not count toward it. Last evaluated 2026-06-23.

Conditions:
FGFR3-related chondrodysplasia. Identifiers: Orphanet 93420, MedGen C5681604, MONDO:0019685.
Camptodactyly-tall stature-scoliosis-hearing loss syndrome. Also called: CATSHL SYNDROME. Identifiers: Orphanet 85164, MedGen C1864852, MONDO:0012504, OMIM 610474.

Submissions (2):

Genomenon, Inc
Classification: Likely pathogenic for FGFR3-related chondrodysplasia. Last evaluated: 2026-06-23. Review status: criteria provided, single submitter. Criteria: Genomenon Sequence Variant Interpretation Standards - Updated. Collection method: curation. Allele origin: germline. Affected: yes.
Comment: FGFR3 p.Thr546Lys (c.1637C>A) is a missense variant that changes the amino acid at codon 546 from Threonine to Lysine. This variant has been observed in at least one proband with an FGFR3-related disorder (PMID:24864036). The variant was found to segregate with disease in at least one affected family. (PMID:24864036). This variant is located in a mutational hotspot and/or important functional domain. It is absent or not present at a significant frequency in gnomAD. In silico models predict that this variant is possibly or probably damaging. In conclusion, we classify FGFR3 p.Thr546Lys (c.1637C>A) as a likely pathogenic variant.

OMIM
Classification: Pathogenic for CAMPTODACTYLY, TALL STATURE, AND HEARING LOSS SYNDROME. Last evaluated: 2014-08-01. Review status: no assertion criteria provided. Collection method: literature only. Allele origin: germline. Not counted in ClinVar's aggregate classification.

Literature cited by the submitters: PubMed 24864036 (cited by Genomenon, Inc and OMIM); PubMed 39498320 (cited by Genomenon, Inc); PubMed 37990933 (cited by Genomenon, Inc); PubMed 34582081 (cited by Genomenon, Inc); PubMed 27987249 (cited by Genomenon, Inc); PubMed 26220993 (cited by Genomenon, Inc); PubMed 27183861 (cited by Genomenon, Inc).

NM_000142.5(FGFR3):c.1637C>A (p.Thr546Lys)

Gene: FGFR3 (fibroblast growth factor receptor 3; plus strand). Cytogenetic location: 4p16.3.
Variant type: single nucleotide variant.
Coding change: c.1637C>A on transcript NM_000142.5 (MANE Select); coding-DNA position 1637, C replaced by A.
Protein change: p.Thr546Lys; replaces threonine 546 with lysine.
Molecular consequence: missense variant. On other transcripts: non-coding transcript variant (1).
Genome position (GRCh38, 1-based): chr4:1,805,661, C>A. VCF-style: chr4-1805661-C-A. GRCh37 (hg19) VCF-style: chr4-1807388-C-A.
Other names: c.1643C>A, p.Thr548Lys (NM_001163213.2); c.1640C>A, p.Thr547Lys (NM_001354809.2, NM_001354810.2); c.1301C>A, p.Thr434Lys (NM_022965.4); short protein forms T546K, T548K, T547K, T434K.
Identifiers: ClinVar variation 156545 (VCV000156545.2), dbSNP rs587777857, ClinGen allele CA170920.